The following is an entry in ClinVar:

NM_001365999.1(SZT2):c.6046G>T (p.Asp2016Tyr)

Gene: SZT2 (SZT2 subunit of KICSTOR complex; plus strand). Cytogenetic location: 1p34.2.
Variant type: single nucleotide variant.
Coding change: c.6046G>T on transcript NM_001365999.1 (MANE Select); coding-DNA position 6046, G replaced by T.
Protein change: p.Asp2016Tyr; replaces aspartic acid 2016 with tyrosine.
Molecular consequence: missense variant.
Genome position (GRCh38, 1-based): chr1:43,437,182, G>T. VCF-style: chr1-43437182-G-T. GRCh37 (hg19) VCF-style: chr1-43902853-G-T.
Other names: c.5875G>T, p.Asp1959Tyr (NM_015284.4); short protein forms D1959Y, D2016Y.
Identifiers: ClinVar variation 999928 (VCV000999928.8), dbSNP rs1654545021, ClinGen allele CA340027952.
Genomic context (GRCh38, chr1:43,437,182, plus strand): 5'-GGCAGAGGGTGGTGTGTCCCATTTCTAATCCCTGCTCCCCCTCACCCAGATTATGCTGCT[G>T]ATGAGAGCTGTGCGCCCCGTGGGTACCTGGCAGCCACAATGCAGTTTGTCCCTGGCCATT-3'
Protein context (NP_001352928.1, residues 2006-2026): APLPSDDYAA[Asp2016Tyr]ESCAPRGYLA

ClinVar aggregate classification (germline): Uncertain significance (1 of 4 stars; one submission).

Submission:

Labcorp Genetics (formerly Invitae), Labcorp
Classification: Uncertain significance. Last evaluated: 2022-07-06. Review status: criteria provided, single submitter. Criteria: Invitae Variant Classification Sherloc (09022015). Collection method: clinical testing. Allele origin: germline.
Comment: This variant has not been reported in the literature in individuals affected with SZT2-related conditions. This variant is not present in population databases (gnomAD no frequency). This sequence change replaces aspartic acid, which is acidic and polar, with tyrosine, which is neutral and polar, at codon 1959 of the SZT2 protein (p.Asp1959Tyr). In summary, the available evidence is currently insufficient to determine the role of this variant in disease. Therefore, it has been classified as a Variant of Uncertain Significance. Algorithms developed to predict the effect of sequence changes on RNA splicing suggest that this variant may disrupt the consensus splice site. Algorithms developed to predict the effect of missense changes on protein structure and function are either unavailable or do not agree on the potential impact of this missense change (SIFT: "Deleterious"; PolyPhen-2: "Probably Damaging"; Align-GVGD: "Class C15"). ClinVar contains an entry for this variant (Variation ID: 999928).